The following is an entry in ClinVar:

ClinVar aggregate classification (germline): Pathogenic (1 of 4 stars; one submission).

Conditions:
Autosomal recessive spastic paraplegia type 76. Identifiers: Orphanet 488594, MedGen C5567483, MONDO:0014827, OMIM 616907.

gnomAD v4.1: 1 of 1,613,888 alleles (0.000062%); no homozygotes.

Submission:

3billion
Classification: Pathogenic for Autosomal recessive spastic paraplegia type 76. Last evaluated: 2024-12-02. Review status: criteria provided, single submitter. Criteria: ACMG Guidelines, 2015. Collection method: clinical testing. Allele origin: germline. Affected: yes.
Comment: The variant is observed at an extremely low frequency in the gnomAD v4.1.0 dataset (total allele frequency: <0.001%). Predicted Consequence/Location: Canonical splice site: predicted to alter splicing and result in a loss or disruption of normal protein function. Multiple pathogenic loss-of-function variants are reported downstream of the variant. Therefore, this variant is classified as Pathogenic according to the recommendation of ACMG/AMP guideline.

NM_005186.4(CAPN1):c.268-1G>T

Gene: CAPN1 (calpain 1; plus strand). Cytogenetic location: 11q13.1.
Variant type: single nucleotide variant.
Coding change: c.268-1G>T on transcript NM_005186.4 (MANE Select); the canonical splice acceptor site of the intron before coding-DNA position 268, G replaced by T.
Molecular consequence: splice acceptor variant.
Genome position (GRCh38, 1-based): chr11:65,183,127, G>T. VCF-style: chr11-65183127-G-T. GRCh37 (hg19) VCF-style: chr11-64950598-G-T.
Other names: c.268-1G>T (NM_001198868.2, NM_001198869.2).
Identifiers: ClinVar variation 4294014 (VCV004294014.1).